The following is an entry in ClinVar:

NM_015001.3(SPEN):c.4522A>G (p.Met1508Val)

Gene: SPEN (spen family transcriptional repressor; plus strand). Cytogenetic location: 1p36.13.
Variant type: single nucleotide variant.
Coding change: c.4522A>G on transcript NM_015001.3 (MANE Select); coding-DNA position 4522, A replaced by G.
Protein change: p.Met1508Val; replaces methionine 1508 with valine.
Molecular consequence: missense variant.
Genome position (GRCh38, 1-based): chr1:15,930,762, A>G. VCF-style: chr1-15930762-A-G. GRCh37 (hg19) VCF-style: chr1-16257257-A-G.
Other names: short protein forms M1508V.
Identifiers: ClinVar variation 4076205 (VCV004076205.1).
Genomic context (GRCh38, chr1:15,930,762, plus strand): 5'-AGACCTATTCCATCCTGGTACATGAAAAAGAAGAAAATTAGGACTGATTCAGAAGGGAAA[A>G]TGGATGATAAGAAAGAGGACCATAAAGAAGAAGAGCAAGAGAGGCAGGAATTGTTTGCTT-3'
Protein context (NP_055816.2, residues 1498-1518): KKIRTDSEGK[Met1508Val]DDKKEDHKEE

ClinVar aggregate classification (germline): Uncertain significance (1 of 4 stars; one submission).

Conditions:
Radio-Tartaglia syndrome. Identifiers: Orphanet 662234, MedGen C5543339, MONDO:0859143, OMIM 619312.

Submission:

Laboratorio de Genetica e Diagnostico Molecular, Hospital Israelita Albert Einstein
Classification: Uncertain significance for Radio-Tartaglia syndrome. Last evaluated: 2023-10-27. Review status: criteria provided, single submitter. Criteria: ACMG Guidelines, 2015. Collection method: clinical testing. Allele origin: germline. Affected: yes.
Comment: ACMG classification criteria: PM2 moderate, BP4 supporting